The following is an entry in ClinVar:

NM_005219.5(DIAPH1):c.1849C>T (p.Pro617Ser)

Gene: DIAPH1 (diaphanous related formin 1; minus strand). Cytogenetic location: 5q31.3.
Variant type: single nucleotide variant.
Coding change: c.1849C>T on transcript NM_005219.5 (MANE Select); coding-DNA position 1849, C replaced by T.
Protein change: p.Pro617Ser; replaces proline 617 with serine.
Molecular consequence: missense variant.
Genome position (GRCh38, 1-based): chr5:141,574,001, G>A on the plus strand (C>T on the coding strand, the complement: DIAPH1 is on the minus strand). VCF-style: chr5-141574001-G-A. GRCh37 (hg19) VCF-style: chr5-140953568-G-A.
Other names: c.1822C>T, p.Pro608Ser (NM_001079812.3); c.1849C>T, p.Pro617Ser (NM_001314007.2); short protein forms P608S, P617S.
Identifiers: ClinVar variation 2015621 (VCV002015621.5), dbSNP rs892261512, ClinGen allele CA128437295.

ClinVar aggregate classification (germline): Uncertain significance. Review status: criteria provided, multiple submitters, no conflicts (2 of 4 stars). 2 submissions from 2 submitters: Uncertain significance (2). Last evaluated 2025-07-14.

Conditions:
Inborn genetic diseases. Identifiers: MedGen C0950123, MeSH D030342.
Autosomal dominant nonsyndromic hearing loss 1. Also called: KONIGSMARK SYNDROME; DEAFNESS, AUTOSOMAL DOMINANT 1, WITH OR WITHOUT THROMBOCYTOPENIA. Identifiers: Orphanet 90635, MedGen C1852282, MONDO:0007424, OMIM 124900.
Progressive microcephaly-seizures-cortical blindness-developmental delay syndrome. Also called: Seizures, cortical blindness, and microcephaly syndrome. Identifiers: Orphanet 477814, MedGen C5567650, MONDO:0014714, OMIM 616632.

Allele frequency attached by ClinVar (database versions not stated): gnomAD exomes below 0.00001; TOPMed below 0.00001; gnomAD 0.00001.
gnomAD v4.1: 6 of 1,514,714 alleles (0.0004%); highest among the groups gnomAD compares: African/African-American, 0.0042%; no homozygotes.

Submissions (2):

Labcorp Genetics (formerly Invitae), Labcorp
Classification: Uncertain significance for Progressive microcephaly-seizures-cortical blindness-developmental delay syndrome; Autosomal dominant nonsyndromic hearing loss 1. Last evaluated: 2025-07-14. Review status: criteria provided, single submitter. Criteria: Invitae Variant Classification Sherloc (09022015). Collection method: clinical testing. Allele origin: germline.
Comment: This sequence change replaces proline, which is neutral and non-polar, with serine, which is neutral and polar, at codon 617 of the DIAPH1 protein (p.Pro617Ser). The frequency data for this variant in the population databases is considered unreliable, as metrics indicate poor data quality at this position in the gnomAD database. This variant has not been reported in the literature in individuals affected with DIAPH1-related conditions. ClinVar contains an entry for this variant (Variation ID: 2015621). An algorithm developed to predict the effect of missense changes on protein structure and function outputs the following: PolyPhen-2: "Not Available". The serine amino acid residue is found in multiple mammalian species, which suggests that this missense change does not adversely affect protein function. In summary, the available evidence is currently insufficient to determine the role of this variant in disease. Therefore, it has been classified as a Variant of Uncertain Significance.

Ambry Genetics
Classification: Uncertain significance for Inborn genetic diseases. Last evaluated: 2021-08-04. Review status: criteria provided, single submitter. Criteria: Ambry Variant Classification Scheme 2023. Collection method: clinical testing. Allele origin: germline.